The following is an entry in ClinVar:

NM_000094.4(COL7A1):c.976+1G>A

Gene: COL7A1 (collagen type VII alpha 1 chain; minus strand). Cytogenetic location: 3p21.31.
Variant type: single nucleotide variant.
Coding change: c.976+1G>A on transcript NM_000094.4 (MANE Select); the canonical splice donor site of the intron after coding-DNA position 976, G replaced by A.
Molecular consequence: splice donor variant.
Genome position (GRCh38, 1-based): chr3:48,592,569, C>T on the plus strand (G>A on the coding strand, the complement: COL7A1 is on the minus strand). VCF-style: chr3-48592569-C-T. GRCh37 (hg19) VCF-style: chr3-48630002-C-T.
Identifiers: ClinVar variation 2734528 (VCV002734528.3), dbSNP rs2531330328, ClinGen allele CA352739369.

ClinVar aggregate classification (germline): Pathogenic (1 of 4 stars; one submission).

Submission:

Labcorp Genetics (formerly Invitae), Labcorp
Classification: Pathogenic. Last evaluated: 2023-09-13. Review status: criteria provided, single submitter. Criteria: Invitae Variant Classification Sherloc (09022015). Collection method: clinical testing. Allele origin: germline.
Comment: For these reasons, this variant has been classified as Pathogenic. Studies have shown that disruption of this splice site results in retention of intron 7 and introduces a premature termination codon (PMID: 19416260). The resulting mRNA is expected to undergo nonsense-mediated decay. Disruption of this splice site has been observed in individual(s) with autosomal recessive dystrophic epidermolysis bullosa (PMID: 19416260). This variant is not present in population databases (gnomAD no frequency). This sequence change affects a donor splice site in intron 7 of the COL7A1 gene. RNA analysis indicates that disruption of this splice site induces altered splicing and may result in an absent or disrupted protein product.

Literature cited by the submitters: PubMed 19416260.